The following is an entry in ClinVar:

ClinVar aggregate classification (germline): Uncertain significance. Review status: criteria provided, single submitter (1 of 4 stars). 2 submissions from 2 submitters: Uncertain significance (1). 1 of the submissions does not count toward it. Last evaluated 2021-08-27.

Conditions:
Autosomal recessive limb-girdle muscular dystrophy type 2A (LGMDR1). Also called: Limb-girdle muscular dystrophy, type 2A; Calpainopathy; MUSCULAR DYSTROPHY, PELVOFEMORAL; LEYDEN-MOEBIUS MUSCULAR DYSTROPHY; Muscular dystrophy, limb-girdle, type 2A, Amish. Identifiers: Orphanet 267, MedGen C1869123, MONDO:0009675, OMIM 253600. Disease mechanism: loss of function.

Allele frequency attached by ClinVar (database versions not stated): TOPMed below 0.00001; gnomAD 0.00001.
gnomAD v4.1: 20 of 1,614,100 alleles (0.0012%); highest among the groups gnomAD compares: Non-Finnish European, 0.0017%; no homozygotes.

Submissions (2):

Labcorp Genetics (formerly Invitae), Labcorp
Classification: Uncertain significance for Autosomal recessive limb-girdle muscular dystrophy type 2A. Last evaluated: 2021-08-27. Review status: criteria provided, single submitter. Criteria: Invitae Variant Classification Sherloc (09022015). Collection method: clinical testing. Allele origin: germline.
Comment: This sequence change replaces glutamine with lysine at codon 651 of the CAPN3 protein (p.Gln651Lys). The glutamine residue is moderately conserved and there is a small physicochemical difference between glutamine and lysine. This variant is not present in population databases (ExAC no frequency). This variant has not been reported in the literature in individuals affected with CAPN3-related conditions. Algorithms developed to predict the effect of missense changes on protein structure and function (SIFT, PolyPhen-2, Align-GVGD) all suggest that this variant is likely to be tolerated. In summary, the available evidence is currently insufficient to determine the role of this variant in disease. Therefore, it has been classified as a Variant of Uncertain Significance.

Natera, Inc.
Classification: Uncertain significance for Limb-girdle muscular dystrophy type 2A. Last evaluated: 2020-09-16. Review status: no assertion criteria provided. Collection method: clinical testing. Allele origin: germline. Not counted in ClinVar's aggregate classification.

NM_000070.3(CAPN3):c.1951C>A (p.Gln651Lys)

Gene: CAPN3 (calpain 3; plus strand). Cytogenetic location: 15q15.1.
Variant type: single nucleotide variant.
Coding change: c.1951C>A on transcript NM_000070.3 (MANE Select); coding-DNA position 1951, C replaced by A.
Protein change: p.Gln651Lys; replaces glutamine 651 with lysine.
Molecular consequence: missense variant. On other transcripts: 5 prime UTR variant (2).
Genome position (GRCh38, 1-based): chr15:42,409,339, C>A. VCF-style: chr15-42409339-C-A. GRCh37 (hg19) VCF-style: chr15-42701537-C-A.
Other names: c.1933C>A, p.Gln645Lys (NM_024344.2); c.1675C>A, p.Gln559Lys (NM_173087.2); c.415C>A, p.Gln139Lys (NM_173088.2); c.-45C>A (NM_173089.2, NM_173090.2); short protein forms Q651K, Q139K, Q559K, Q645K.
Identifiers: ClinVar variation 654018 (VCV000654018.7), dbSNP rs1314405681, ClinGen allele CA392001210.